The following is an entry in ClinVar:

ClinVar aggregate classification (germline): Likely benign (1 of 4 stars; one submission).

Allele frequency attached by ClinVar (database versions not stated): gnomAD exomes 0.00027; ExAC 0.00084; gnomAD 0.00239; TOPMed 0.00276; ESP Exome Variant Server 0.00308; 1000 Genomes Project 0.00399; 1000 Genomes Project 30x 0.00406.
gnomAD v4.1: 772 of 1,609,032 alleles (0.048%); highest among the groups gnomAD compares: African/African-American, 0.91%; 5 homozygotes.

Submission:

CeGaT Center for Human Genetics Tuebingen
Classification: Likely benign. Last evaluated: 2023-03-01. Review status: criteria provided, single submitter. Criteria: CeGaT Center For Human Genetics Tuebingen Variant Classification Criteria Version 2. Collection method: clinical testing. Allele origin: germline. Affected: yes. Observed: 1 variant allele.
Comment: KLHL26: BP4, BP7, BS2

NM_018316.3(KLHL26):c.633C>T (p.Phe211=)

Gene: KLHL26 (kelch like family member 26; plus strand). Cytogenetic location: 19p13.11.
Variant type: single nucleotide variant.
Coding change: c.633C>T on transcript NM_018316.3 (MANE Select); coding-DNA position 633, C replaced by T.
Protein change: p.Phe211=; no amino-acid change (phenylalanine 211 retained).
Molecular consequence: synonymous variant. On other transcripts: intron variant (1).
Genome position (GRCh38, 1-based): chr19:18,668,030, C>T. VCF-style: chr19-18668030-C-T. GRCh37 (hg19) VCF-style: chr19-18778840-C-T.
Other names: c.600C>T, p.Phe200= (NM_001345982.2); c.363C>T, p.Phe121= (NM_001345983.2); c.405+228C>T (NM_001345984.2); c.720C>T, p.Phe240= (NM_001345981.2).
Identifiers: ClinVar variation 2649589 (VCV002649589.24), dbSNP rs140820566, ClinGen allele CA9314924.